The following is an entry in ClinVar:

NM_031157.4(HNRNPA1):c.*4+9_*4+10del

Gene: HNRNPA1 (heterogeneous nuclear ribonucleoprotein A1; plus strand). Cytogenetic location: 12q13.13.
Variant type: Deletion.
Coding change: c.*4+9_*4+10del on transcript NM_031157.4 (MANE Select); bases 9 to 10 of the intron after 4 bases downstream of the stop codon, 2 bases deleted (GC; older notation c.*4+9_*4+10delGC).
Molecular consequence: intron variant.
Genome position (GRCh38, 1-based): chr12:54,284,326-54,284,327, GC deleted. VCF-style (leftmost placement, unchanged base first): chr12-54284325-AGC-A. GRCh37 (hg19) VCF-style: chr12-54678109-AGC-A.
Other names: c.*4+9_*4+10delGC (NM_031157.4); c.*4+9_*4+10del (NM_002136.4).
Identifiers: ClinVar variation 4847496 (VCV004847496.1).
Genomic context (GRCh38, chr12:54,284,325, plus strand): 5'-TGGCGGTTCCAGCAGCAGCAGTAGCTATGGCAGTGGCAGAAGATTTTAATTAGGTAAGTA[AGC>A]ACCTTTTTGTGTGTTGACATAATTTTTTAAATTGCTGATGAACCCAATAACCCTAATGTA-3'

ClinVar aggregate classification (germline): Uncertain significance (1 of 4 stars; one submission).

Submission:

Women's Health and Genetics/Laboratory Corporation of America, LabCorp
Classification: Uncertain significance. Last evaluated: 2026-03-03. Review status: criteria provided, single submitter. Criteria: LabCorp Variant Classification Summary - May 2015. Collection method: clinical testing. Allele origin: germline.
Comment: Variant summary: HNRNPA1 c.*4+9_*4+10delGC is located in the untranslated mRNA region downstream of the termination codon. The variant allele was found at a frequency of 4e-06 in 249100 control chromosomes. The available data on variant occurrences in the general population are insufficient to allow any conclusion about variant significance. To our knowledge, no occurrence of c.*4+9_*4+10delGC in individuals affected with HNRNPA1-related conditions and no experimental evidence demonstrating its impact on protein function have been reported. No submitters have cited clinical-significance assessments for this variant to ClinVar. Based on the evidence outlined above, the variant was classified as uncertain significance.